The following is an entry in ClinVar:

ClinVar aggregate classification (germline): Uncertain significance. Review status: criteria provided, multiple submitters, no conflicts (2 of 4 stars). 3 submissions from 3 submitters: Uncertain significance (3). Last evaluated 2024-12-20.

Conditions:
Hereditary cancer-predisposing syndrome. Also called: Tumor predisposition; Hereditary neoplastic syndrome; Neoplastic Syndromes, Hereditary; Hereditary Cancer Syndrome. Identifiers: Orphanet 140162, MedGen C0027672, MeSH D009386, MONDO:0015356.
Autosomal recessive nonsyndromic hearing loss 97. Also called: Deafness, autosomal recessive 97. Identifiers: Orphanet 90636, MedGen C4084709, MONDO:0014739, OMIM 616705.
Renal cell carcinoma. Identifiers: Orphanet 217071, MedGen C0007134, MeSH D002292, MONDO:0005086, HP:0005584.

gnomAD v4.1: 6 of 1,614,094 alleles (0.00037%); highest among the groups gnomAD compares: Non-Finnish European, 0.00051%; no homozygotes.

Submissions (3):

Ambry Genetics
Classification: Uncertain significance for Hereditary cancer-predisposing syndrome. Last evaluated: 2024-12-20. Review status: criteria provided, single submitter. Criteria: Ambry Variant Classification Scheme 2023. Collection method: clinical testing. Allele origin: germline.
Comment: The p.D597H variant (also known as c.1789G>C), located in coding exon 5 of the MET gene, results from a G to C substitution at nucleotide position 1789. The aspartic acid at codon 597 is replaced by histidine, an amino acid with similar properties. This amino acid position is well conserved in available vertebrate species. In addition, the in silico prediction for this alteration is inconclusive. Based on the available evidence, the clinical significance of this variant remains unclear.

Labcorp Genetics (formerly Invitae), Labcorp
Classification: Uncertain significance for Renal cell carcinoma. Last evaluated: 2024-03-10. Review status: criteria provided, single submitter. Criteria: Invitae Variant Classification Sherloc (09022015). Collection method: clinical testing. Allele origin: germline.
Comment: This sequence change replaces aspartic acid, which is acidic and polar, with histidine, which is basic and polar, at codon 597 of the MET protein (p.Asp597His). This variant is not present in population databases (gnomAD no frequency). This variant has not been reported in the literature in individuals affected with MET-related conditions. ClinVar contains an entry for this variant (Variation ID: 1356925). Advanced modeling of protein sequence and biophysical properties (such as structural, functional, and spatial information, amino acid conservation, physicochemical variation, residue mobility, and thermodynamic stability) performed at Invitae indicates that this missense variant is not expected to disrupt MET protein function with a negative predictive value of 80%. In summary, the available evidence is currently insufficient to determine the role of this variant in disease. Therefore, it has been classified as a Variant of Uncertain Significance.

Baylor Genetics
Classification: Uncertain significance for Autosomal recessive nonsyndromic hearing loss 97. Last evaluated: 2024-02-03. Review status: criteria provided, single submitter. Criteria: ACMG Guidelines, 2015. Collection method: clinical testing. Allele origin: unknown.

NM_000245.4(MET):c.1789G>C (p.Asp597His)

Gene: MET (MET proto-oncogene, receptor tyrosine kinase; plus strand). Cytogenetic location: 7q31.2.
Variant type: single nucleotide variant.
Coding change: c.1789G>C on transcript NM_000245.4 (MANE Select); coding-DNA position 1789, G replaced by C.
Protein change: p.Asp597His; replaces aspartic acid 597 with histidine.
Molecular consequence: missense variant.
Genome position (GRCh38, 1-based): chr7:116,755,442, G>C. VCF-style: chr7-116755442-G-C. GRCh37 (hg19) VCF-style: chr7-116395496-G-C.
Other names: c.1789G>C, p.Asp597His (NM_001127500.3, NM_001324401.3); c.499G>C, p.Asp167His (NM_001324402.2); short protein forms D167H, D597H.
Identifiers: ClinVar variation 1356925 (VCV001356925.12), dbSNP rs769073123, ClinGen allele CA164891666.